The following is an entry in ClinVar:

ClinVar aggregate classification (germline): Conflicting classifications of pathogenicity. Review status: criteria provided, conflicting classifications (1 of 4 stars). 2 submissions from 2 submitters: Likely pathogenic (1); Uncertain significance (1). Last evaluated 2023-08-08.

Conditions:
Inborn genetic diseases. Identifiers: MedGen C0950123, MeSH D030342.

Allele frequency attached by ClinVar (database versions not stated): gnomAD exomes below 0.00001; gnomAD 0.00001; TOPMed 0.00002.
gnomAD v4.1: 7 of 1,604,748 alleles (0.00044%); highest among the groups gnomAD compares: Admixed American, 0.0017%; no homozygotes.

Submissions (2):

Labcorp Genetics (formerly Invitae), Labcorp
Classification: Likely pathogenic. Last evaluated: 2023-08-08. Review status: criteria provided, single submitter. Criteria: Invitae Variant Classification Sherloc (09022015). Collection method: clinical testing. Allele origin: germline.
Comment: In summary, the currently available evidence indicates that the variant is pathogenic, but additional data are needed to prove that conclusively. Therefore, this variant has been classified as Likely Pathogenic. Algorithms developed to predict the effect of sequence changes on RNA splicing suggest that this variant may disrupt the consensus splice site. ClinVar contains an entry for this variant (Variation ID: 2229130). This variant has not been reported in the literature in individuals affected with MPDZ-related conditions. This variant is present in population databases (no rsID available, gnomAD 0.003%). This sequence change affects an acceptor splice site in intron 9 of the MPDZ gene. It is expected to disrupt RNA splicing. Variants that disrupt the donor or acceptor splice site typically lead to a loss of protein function (PMID: 16199547), and loss-of-function variants in MPDZ are known to be pathogenic (PMID: 23240096, 28556411).

Ambry Genetics
Classification: Uncertain significance for Inborn genetic diseases. Last evaluated: 2021-01-28. Review status: criteria provided, single submitter. Criteria: Ambry Variant Classification Scheme 2023. Collection method: clinical testing. Allele origin: germline.
Comment: Resulting transcript is predicted to be in-frame and is not expected to trigger nonsense-mediated mRNA decay Based on insufficient or conflicting evidence, the clinical significance of this alteration remains unclear.

Literature cited by the submitters: PubMed 16199547 (cited by Labcorp Genetics (formerly Invitae), Labcorp); PubMed 23240096 (cited by Labcorp Genetics (formerly Invitae), Labcorp); PubMed 28556411 (cited by Labcorp Genetics (formerly Invitae), Labcorp).

NM_001378778.1(MPDZ):c.1202-2A>G

Gene: MPDZ (multiple PDZ domain crumbs cell polarity complex component; minus strand). Cytogenetic location: 9p23.
Variant type: single nucleotide variant.
Coding change: c.1202-2A>G on transcript NM_001378778.1 (MANE Select); the canonical splice acceptor site of the intron before coding-DNA position 1202, A replaced by G.
Molecular consequence: splice acceptor variant.
Genome position (GRCh38, 1-based): chr9:13,216,864, T>C on the plus strand (A>G on the coding strand, the complement: MPDZ is on the minus strand). VCF-style: chr9-13216864-T-C. GRCh37 (hg19) VCF-style: chr9-13216863-T-C.
Other names: c.1202-2A>G (NM_001375425.1, NM_001375420.1, NM_001375419.1 and 14 more transcripts).
Identifiers: ClinVar variation 2229130 (VCV002229130.5), dbSNP rs1206985138, ClinGen allele CA372944713.